The following is an entry in ClinVar:

NM_005751.5(AKAP9):c.11428A>C (p.Thr3810Pro)

Gene: AKAP9 (A-kinase anchoring protein 9; plus strand). Cytogenetic location: 7q21.2.
Variant type: single nucleotide variant.
Coding change: c.11428A>C on transcript NM_005751.5 (MANE Select); coding-DNA position 11428, A replaced by C.
Protein change: p.Thr3810Pro; replaces threonine 3810 with proline.
Molecular consequence: missense variant.
Genome position (GRCh38, 1-based): chr7:92,107,304, A>C. VCF-style: chr7-92107304-A-C. GRCh37 (hg19) VCF-style: chr7-91736618-A-C.
Other names: c.6073A>C, p.Thr2025Pro (NM_001379277.1); c.11404A>C, p.Thr3802Pro (NM_147185.3); short protein forms T3810P, T2025P, T3802P.
Identifiers: ClinVar variation 2626280 (VCV002626280.2), dbSNP rs1254426170, ClinGen allele CA368164068.

ClinVar aggregate classification (germline): Uncertain significance (1 of 4 stars; one submission).

Conditions:
Cardiovascular phenotype. Identifiers: MedGen CN230736.

Allele frequency attached by ClinVar (database versions not stated): gnomAD exomes below 0.00001; TOPMed below 0.00001.
gnomAD v4.1: 1 of 1,613,990 alleles (0.000062%); highest among the groups gnomAD compares: Non-Finnish European, 0.000085%; no homozygotes.

Submission:

Ambry Genetics
Classification: Uncertain significance for Cardiovascular phenotype. Last evaluated: 2023-06-29. Review status: criteria provided, single submitter. Criteria: Ambry Variant Classification Scheme 2023. Collection method: clinical testing. Allele origin: germline.
Comment: The p.T3810P variant (also known as c.11428A>C), located in coding exon 48 of the AKAP9 gene, results from an A to C substitution at nucleotide position 11428. The threonine at codon 3810 is replaced by proline, an amino acid with highly similar properties. This amino acid position is conserved. In addition, this alteration is predicted to be tolerated by in silico analysis. Since supporting evidence is limited at this time, the clinical significance of this alteration remains unclear.